The following is an entry in ClinVar:

ClinVar aggregate classification (germline): Uncertain significance. Review status: criteria provided, multiple submitters, no conflicts (2 of 4 stars). 2 submissions from 2 submitters: Uncertain significance (2). Last evaluated 2024-11-10.

Conditions:
Hereditary cancer-predisposing syndrome. Also called: Neoplastic Syndromes, Hereditary; Hereditary Cancer Syndrome; Tumor predisposition; Hereditary neoplastic syndrome. Identifiers: Orphanet 140162, MedGen C0027672, MeSH D009386, MONDO:0015356.

Allele frequency attached by ClinVar (database versions not stated): gnomAD exomes below 0.00001; ExAC 0.00001.
gnomAD v4.1: 4 of 1,613,980 alleles (0.00025%); highest among the groups gnomAD compares: Non-Finnish European, 0.00034%; no homozygotes.

Submissions (2):

Ambry Genetics
Classification: Uncertain significance for Hereditary cancer-predisposing syndrome. Last evaluated: 2024-11-10. Review status: criteria provided, single submitter. Criteria: Ambry Variant Classification Scheme 2023. Collection method: clinical testing. Allele origin: germline.
Comment: The p.T150A variant (also known as c.448A>G), located in coding exon 4 of the SMARCB1 gene, results from an A to G substitution at nucleotide position 448. The threonine at codon 150 is replaced by alanine, an amino acid with similar properties. This amino acid position is conserved. In addition, the in silico prediction for this alteration is inconclusive. Based on the available evidence, the clinical significance of this variant remains unclear.

Labcorp Genetics (formerly Invitae), Labcorp
Classification: Uncertain significance. Last evaluated: 2023-08-04. Review status: criteria provided, single submitter. Criteria: Invitae Variant Classification Sherloc (09022015). Collection method: clinical testing. Allele origin: germline.
Comment: In summary, the available evidence is currently insufficient to determine the role of this variant in disease. Therefore, it has been classified as a Variant of Uncertain Significance. Advanced modeling of protein sequence and biophysical properties (such as structural, functional, and spatial information, amino acid conservation, physicochemical variation, residue mobility, and thermodynamic stability) performed at Invitae indicates that this missense variant is not expected to disrupt SMARCB1 protein function. ClinVar contains an entry for this variant (Variation ID: 852718). This variant has not been reported in the literature in individuals affected with SMARCB1-related conditions. This variant is present in population databases (rs745619005, gnomAD 0.006%). This sequence change replaces threonine, which is neutral and polar, with alanine, which is neutral and non-polar, at codon 150 of the SMARCB1 protein (p.Thr150Ala).

NM_003073.5(SMARCB1):c.448A>G (p.Thr150Ala)

Gene: SMARCB1 (SWI/SNF related BAF chromatin remodeling complex subunit B1; plus strand). Cytogenetic location: 22q11.23.
Variant type: single nucleotide variant.
Coding change: c.448A>G on transcript NM_003073.5 (MANE Select); coding-DNA position 448, A replaced by G.
Protein change: p.Thr150Ala; replaces threonine 150 with alanine.
Molecular consequence: missense variant.
Genome position (GRCh38, 1-based): chr22:23,801,029, A>G. VCF-style: chr22-23801029-A-G. GRCh37 (hg19) VCF-style: chr22-24143216-A-G.
Other names: c.421A>G, p.Thr141Ala (NM_001007468.3, NM_001317946.2); c.448A>G, p.Thr150Ala (NM_001362877.2); short protein forms T141A, T150A.
Identifiers: ClinVar variation 852718 (VCV000852718.10), dbSNP rs745619005, ClinGen allele CA10145920.
Genomic context (GRCh38, chr22:23,801,029, plus strand): 5'-CAGTGGGTACCCACCCTGCCCAACAGCTCCCACCACTTAGATGCCGTGCCATGCTCCACA[A>G]CCATCAACAGGAACCGCATGGGCCGAGACAAGAAGAGAACCTTCCCCCTTTGGTGTGGAT-3'
Protein context (NP_003064.2, residues 140-160): HHLDAVPCST[Thr150Ala]INRNRMGRDK